The following is an entry in ClinVar:

ClinVar aggregate classification (germline): Uncertain significance (1 of 4 stars; one submission).

Conditions:
Hereditary cancer-predisposing syndrome. Also called: Neoplastic Syndromes, Hereditary; Tumor predisposition; Hereditary neoplastic syndrome; Hereditary Cancer Syndrome. Identifiers: Orphanet 140162, MedGen C0027672, MeSH D009386, MONDO:0015356.

Submission:

Ambry Genetics
Classification: Uncertain significance for Hereditary cancer-predisposing syndrome. Last evaluated: 2023-01-25. Review status: criteria provided, single submitter. Criteria: Ambry Variant Classification Scheme 2023. Collection method: clinical testing. Allele origin: germline.
Comment: The p.T1060I variant (also known as c.3179C>T), located in coding exon 23 of the MSH3 gene, results from a C to T substitution at nucleotide position 3179. The threonine at codon 1060 is replaced by isoleucine, an amino acid with similar properties. This amino acid position is conserved. In addition, the in silico prediction for this alteration is inconclusive. Since supporting evidence is limited at this time, the clinical significance of this alteration remains unclear.

NM_002439.5(MSH3):c.3179C>T (p.Thr1060Ile)

Gene: MSH3 (mutS homolog 3; plus strand). Cytogenetic location: 5q14.1.
Variant type: single nucleotide variant.
Coding change: c.3179C>T on transcript NM_002439.5 (MANE Select); coding-DNA position 3179, C replaced by T.
Protein change: p.Thr1060Ile; replaces threonine 1060 with isoleucine.
Molecular consequence: missense variant.
Genome position (GRCh38, 1-based): chr5:80,873,164, C>T. VCF-style: chr5-80873164-C-T. GRCh37 (hg19) VCF-style: chr5-80168983-C-T.
Other names: short protein forms T1060I.
Identifiers: ClinVar variation 2451072 (VCV002451072.2), dbSNP rs2112128668, ClinGen allele CA360346888.